The following is an entry in ClinVar:

NC_000020.11:g.44355633T>C

Gene: HNF4A (hepatocyte nuclear factor 4 alpha; plus strand). Cytogenetic location: 20q13.12.
Variant type: single nucleotide variant.
Genome position: GRCh38 VCF-style: chr20-44355633-T-C. GRCh37 (hg19) VCF-style: chr20-42984273-T-C.
Identifiers: ClinVar variation 4526410 (VCV004526410.1).
Genomic context (GRCh38, chr20:44,355,633, plus strand): 5'-ATTGCCATGGAGACAGCAACAGTCCCCAGCCGCGGGTTCCCTAAGTGACTGGTTACTCTT[T>C]AACGTATCCACCCACCTTGGGTGATTAGAAGAATCAATAAGATAACCGGGCGGTGGCAGC-3'

ClinVar aggregate classification (germline): Uncertain significance (3 of 4 stars; one submission).

Conditions:
Monogenic diabetes. Identifiers: Orphanet 183625, MedGen C3888631, MONDO:0015967.

Submission:

ClinGen Monogenic Diabetes Variant Curation Expert Panel
Classification: Uncertain significance for Monogenic diabetes. Last evaluated: 2025-10-13. Review status: reviewed by expert panel. Criteria: ClinGen Diabetes ACMG Specifications HNF4A V4.0.0. Collection method: curation. Allele origin: germline. Inheritance: Autosomal dominant inheritance.
Comment: The c.-172T>C variant in the hepatocyte nuclear factor 4-alpha gene, HNF4A, is a single nucleotide variant within the promoter of NM_175914.5. This variant is located within the HNF1A/HNF1B binding region (c.-170 to c.-173 and c.-178 to c.-181) of the P2 promoter of HNF4A, which is defined as critical for the protein’s function by the ClinGen MDEP (PM1). This variant is absent from gnomAD v2.1.1 and v4.1.0 (PM2_Supporting). In summary, c.-172T>C meets the criteria to be classified as a variant of uncertain significance for monogenic diabetes. ACMG/AMP criteria applied, as specified by the ClinGen MDEP VCEP (specification version 4.0.0, approved 10/10/2025): PP4_Moderate, PM1, PM2_Supporting.